The following is an entry in ClinVar:

NM_000217.3(KCNA1):c.941T>A (p.Ile314Asn)

Gene: KCNA1 (potassium voltage-gated channel subfamily A member 1; plus strand). Cytogenetic location: 12p13.32.
Variant type: single nucleotide variant.
Coding change: c.941T>A on transcript NM_000217.3 (MANE Select); coding-DNA position 941, T replaced by A.
Protein change: p.Ile314Asn; replaces isoleucine 314 with asparagine.
Molecular consequence: missense variant.
Genome position (GRCh38, 1-based): chr12:4,912,319, T>A. VCF-style: chr12-4912319-T-A. GRCh37 (hg19) VCF-style: chr12-5021485-T-A.
Other names: short protein forms I314N.
Identifiers: ClinVar variation 4057247 (VCV004057247.1).

ClinVar aggregate classification (germline): Pathogenic (0 of 4 stars; one submission).

Conditions:
Episodic ataxia type 1 (EA1). Also called: ATAXIA, EPISODIC, WITH MYOKYMIA; MYOKYMIA WITH PERIODIC ATAXIA; PAROXYSMAL ATAXIA WITH NEUROMYOTONIA, HEREDITARY; Episodic ataxia/myokymia syndrome. Identifiers: Orphanet 37612, Orphanet 972, MedGen C1719788, MONDO:0008047, OMIM 160120.

Submission:

Center for Human Genetics and Genomic Medicine, Uniklinik Rwth Aachen
Classification: Pathogenic for Episodic ataxia type 1. Last evaluated: 2025-07-07. Review status: no assertion criteria provided. Collection method: clinical testing. Allele origin: germline. Inheritance: Autosomal dominant inheritance. Affected: yes. Observed: 1 heterozygote.
Comment: The variant is not present in public databases (gnomAD v4.1.0) nor has it been described in patients or in the literature. A likely pathogenic variant affecting the same amino acid residue is segregating in two families as described in the literature. The variant is located in a mutational hotspot. Bioinformatic prediction tools support a deleterious effect of the variant. PM5, PP1_sup, PP4_mod, PP3_mod, PM2_sup